The following is an entry in ClinVar:

ClinVar aggregate classification (germline): Pathogenic/Likely pathogenic. Review status: criteria provided, multiple submitters, no conflicts (2 of 4 stars). 2 submissions from 2 submitters: Pathogenic (1); Likely pathogenic (1). Last evaluated 2025-11-22.

Conditions:
ADGRV1-related disorder. Also called: ADGRV1-related condition; ADGRV1-related disorders.

Allele frequency attached by ClinVar (database versions not stated): ExAC 0.00001.
gnomAD v4.1: 4 of 1,605,836 alleles (0.00025%); highest among the groups gnomAD compares: Non-Finnish European, 0.00034%; no homozygotes.

Submissions (2):

Labcorp Genetics (formerly Invitae), Labcorp
Classification: Pathogenic. Last evaluated: 2025-11-22. Review status: criteria provided, single submitter. Criteria: Invitae Variant Classification Sherloc (09022015). Collection method: clinical testing. Allele origin: germline.
Comment: This sequence change creates a premature translational stop signal (p.Lys2741*) in the ADGRV1 gene. It is expected to result in an absent or disrupted protein product. Loss-of-function variants in ADGRV1 are known to be pathogenic (PMID: 19357117, 22135276, 22147658, 26226137, 30718709, 31047384, 32467589). The frequency data for this variant in the population databases is considered unreliable, as metrics indicate poor data quality at this position in the gnomAD database. This variant has not been reported in the literature in individuals affected with ADGRV1-related conditions. ClinVar contains an entry for this variant (Variation ID: 2875709). Algorithms developed to predict the effect of sequence changes on RNA splicing suggest that this variant may disrupt the consensus splice site. For these reasons, this variant has been classified as Pathogenic.

Blueprint Genetics
Classification: Likely pathogenic for ADGRV1-related disorders. Last evaluated: 2022-11-29. Review status: criteria provided, single submitter. Criteria: ACMG Guidelines, 2015. Collection method: clinical testing. Allele origin: germline. Affected: yes. Observed: 1 variant allele.

Literature cited by the submitters: PubMed 19357117 (cited by Labcorp Genetics (formerly Invitae), Labcorp); PubMed 22135276 (cited by Labcorp Genetics (formerly Invitae), Labcorp); PubMed 22147658 (cited by Labcorp Genetics (formerly Invitae), Labcorp); PubMed 26226137 (cited by Labcorp Genetics (formerly Invitae), Labcorp); PubMed 30718709 (cited by Labcorp Genetics (formerly Invitae), Labcorp); PubMed 31047384 (cited by Labcorp Genetics (formerly Invitae), Labcorp); PubMed 32467589 (cited by Labcorp Genetics (formerly Invitae), Labcorp).

NM_032119.4(ADGRV1):c.8221A>T (p.Lys2741Ter)

Gene: ADGRV1 (adhesion G protein-coupled receptor V1; plus strand). Cytogenetic location: 5q14.3.
Variant type: single nucleotide variant.
Coding change: c.8221A>T on transcript NM_032119.4 (MANE Select); coding-DNA position 8221, A replaced by T.
Protein change: p.Lys2741Ter; replaces lysine 2741 with a stop codon.
Molecular consequence: nonsense. On other transcripts: non-coding transcript variant (1).
Genome position (GRCh38, 1-based): chr5:90,703,730, A>T. VCF-style: chr5-90703730-A-T. GRCh37 (hg19) VCF-style: chr5-89999547-A-T.
Other names: short protein forms K2741*.
Identifiers: ClinVar variation 2875709 (VCV002875709.4), dbSNP rs773579328, ClinGen allele CA3340194.